The following is an entry in ClinVar:

ClinVar aggregate classification (germline): Uncertain significance (1 of 4 stars; one submission).

Submission:

Labcorp Genetics (formerly Invitae), Labcorp
Classification: Uncertain significance. Last evaluated: 2025-07-22. Review status: criteria provided, single submitter. Criteria: Invitae Variant Classification Sherloc (09022015). Collection method: clinical testing. Allele origin: germline.
Comment: This sequence change replaces leucine, which is neutral and non-polar, with tryptophan, which is neutral and slightly polar, at codon 76 of the PROM1 protein (p.Leu76Trp). This variant is not present in population databases (gnomAD no frequency). This variant has not been reported in the literature in individuals affected with PROM1-related conditions. Invitae Evidence Modeling of protein sequence and biophysical properties (such as structural, functional, and spatial information, amino acid conservation, physicochemical variation, residue mobility, and thermodynamic stability) indicates that this missense variant is expected to disrupt PROM1 protein function with a positive predictive value of 80%. In summary, the available evidence is currently insufficient to determine the role of this variant in disease. Therefore, it has been classified as a Variant of Uncertain Significance.

NM_006017.3(PROM1):c.227T>G (p.Leu76Trp)

Gene: PROM1 (prominin 1; minus strand). Cytogenetic location: 4p15.32.
Variant type: single nucleotide variant.
Coding change: c.227T>G on transcript NM_006017.3 (MANE Select); coding-DNA position 227, T replaced by G.
Protein change: p.Leu76Trp; replaces leucine 76 with tryptophan.
Molecular consequence: missense variant. On other transcripts: 5 prime UTR variant (1), non-coding transcript variant (1).
Genome position (GRCh38, 1-based): chr4:16,038,995, A>C on the plus strand (T>G on the coding strand, the complement: PROM1 is on the minus strand). VCF-style: chr4-16038995-A-C. GRCh37 (hg19) VCF-style: chr4-16040618-A-C.
Other names: c.227T>G, p.Leu76Trp (NM_001145847.2, NM_001145848.2, NM_001145849.2 and 12 more transcripts); c.-113T>G (NM_001441179.1); short protein forms L76W.
Identifiers: ClinVar variation 4740245 (VCV004740245.1).